The following is an entry in ClinVar:

ClinVar aggregate classification (germline): Conflicting classifications of pathogenicity. Review status: criteria provided, conflicting classifications (1 of 4 stars). 2 submissions from 2 submitters: Likely pathogenic (1); Uncertain significance (1). Last evaluated 2026-04-14.

Conditions:
Familial intrahepatic cholestasis. Identifiers: Orphanet 284385, MedGen CN296401, MONDO:0017290.

gnomAD v4.1: 23 of 1,601,398 alleles (0.0014%); highest among the groups gnomAD compares: African/African-American, 0.004%; no homozygotes.

Submissions (2):

Genomenon, Inc
Classification: Likely pathogenic for Familial intrahepatic cholestasis. Last evaluated: 2026-04-14. Review status: criteria provided, single submitter. Criteria: Genomenon Sequence Variant Interpretation Standards - Updated. Collection method: curation. Allele origin: germline. Affected: yes.
Comment: ATP8B1 p.Ile694Thr (c.2081T>C) is a missense variant that changes the amino acid at residue 694 from Isoleucine to Threonine. This variant has been observed in at least one proband with features of ATP8B1-deficiency (PMID:39419571;15239083). It has been observed in trans with a pathogenic or likely pathogenic variant (PMID:39419571). It is absent or not present at a significant frequency in gnomAD. In silico models predict that this variant is possibly or probably damaging. In conclusion, we classify ATP8B1 p.Ile694Thr (c.2081T>C) as a likely pathogenic variant.

Women's Health and Genetics/Laboratory Corporation of America, LabCorp
Classification: Uncertain significance. Last evaluated: 2024-05-01. Review status: criteria provided, single submitter. Criteria: LabCorp Variant Classification Summary - May 2015. Collection method: clinical testing. Allele origin: germline.
Comment: Variant summary: ATP8B1 c.2081T>C (p.Ile694Thr) results in a non-conservative amino acid change located in the P-type ATPase, haloacid dehalogenase domain (IPR044492) of the encoded protein sequence. Five of five in-silico tools predict a damaging effect of the variant on protein function. The variant allele was found at a frequency of 2.9e-05 in 241284 control chromosomes. The available data on variant occurrences in the general population are insufficient to allow any conclusion about variant significance. To our knowledge, no experimental evidence demonstrating an impact on protein function has been reported. No submitters have cited clinical-significance assessments for this variant to ClinVar. The following publication have been ascertained in the context of this evaluation (PMID: 15239083). Based on the evidence outlined above, the variant was classified as uncertain significance.

Literature cited by the submitters: PubMed 39419571 (cited by Genomenon, Inc); PubMed 15239083 (cited by Genomenon, Inc and Women's Health and Genetics/Laboratory Corporation of America, LabCorp).

NM_001374385.1(ATP8B1):c.2081T>C (p.Ile694Thr)

Gene: ATP8B1 (ATPase phospholipid transporting 8B1; minus strand). Cytogenetic location: 18q21.31.
Variant type: single nucleotide variant.
Coding change: c.2081T>C on transcript NM_001374385.1 (MANE Select); coding-DNA position 2081, T replaced by C.
Protein change: p.Ile694Thr; replaces isoleucine 694 with threonine.
Molecular consequence: missense variant.
Genome position (GRCh38, 1-based): chr18:57,669,334, A>G on the plus strand (T>C on the coding strand, the complement: ATP8B1 is on the minus strand). VCF-style: chr18-57669334-A-G. GRCh37 (hg19) VCF-style: chr18-55336566-A-G.
Other names: c.1931T>C, p.Ile644Thr (NM_001374386.1); c.2081T>C, p.Ile694Thr (NM_005603.6); short protein forms I644T, I694T.
Identifiers: ClinVar variation 3336297 (VCV003336297.2).
Genomic context (GRCh38, chr18:57,669,334, plus strand): 5'-CTGCTTAGAATATCAAAGAAAAAGTTATTAAGGCTAAAACTCACAATTAAGTCTTTTTCA[A>G]TCTCCTCATATACTTTATCCAGAGCTTCGTCCCGGTTGGTGGAGGCCACACTGGCAGCCA-3'
Protein context (NP_001361314.1, residues 684-704): DEALDKVYEE[Ile694Thr]EKDLILLGAT